The following is an entry in ClinVar:

ClinVar aggregate classification (germline): Uncertain significance. Review status: criteria provided, multiple submitters, no conflicts (2 of 4 stars). 2 submissions from 2 submitters: Uncertain significance (2). Last evaluated 2023-09-20.

Conditions:
Familial adenomatous polyposis 1 (FAP1). Also called: FAMILIAL ADENOMATOUS POLYPOSIS 1, ATTENUATED; POLYPOSIS, ADENOMATOUS INTESTINAL. Identifiers: MedGen C2713442, MONDO:0021056, OMIM 175100. Disease mechanism: loss of function.
Hereditary cancer-predisposing syndrome. Also called: Hereditary Cancer Syndrome; Tumor predisposition; Hereditary neoplastic syndrome; Neoplastic Syndromes, Hereditary. Identifiers: Orphanet 140162, MedGen C0027672, MeSH D009386, MONDO:0015356.

Submissions (2):

Labcorp Genetics (formerly Invitae), Labcorp
Classification: Uncertain significance for Familial adenomatous polyposis 1. Last evaluated: 2023-09-20. Review status: criteria provided, single submitter. Criteria: Invitae Variant Classification Sherloc (09022015). Collection method: clinical testing. Allele origin: germline.
Comment: This sequence change replaces aspartic acid, which is acidic and polar, with valine, which is neutral and non-polar, at codon 1688 of the APC protein (p.Asp1688Val). This variant is not present in population databases (gnomAD no frequency). This variant has not been reported in the literature in individuals affected with APC-related conditions. ClinVar contains an entry for this variant (Variation ID: 1054183). Advanced modeling of protein sequence and biophysical properties (such as structural, functional, and spatial information, amino acid conservation, physicochemical variation, residue mobility, and thermodynamic stability) performed at Invitae indicates that this missense variant is not expected to disrupt APC protein function. In summary, the available evidence is currently insufficient to determine the role of this variant in disease. Therefore, it has been classified as a Variant of Uncertain Significance.

Ambry Genetics
Classification: Uncertain significance for Hereditary cancer-predisposing syndrome. Last evaluated: 2023-01-04. Review status: criteria provided, single submitter. Criteria: Ambry Variant Classification Scheme 2023. Collection method: clinical testing. Allele origin: germline.
Comment: The p.D1688V variant (also known as c.5063A>T), located in coding exon 15 of the APC gene, results from an A to T substitution at nucleotide position 5063. The aspartic acid at codon 1688 is replaced by valine, an amino acid with highly dissimilar properties. This amino acid position is conserved. In addition, in silico predictors for this gene do not accurately predict pathogenicity. Since supporting evidence is limited at this time, the clinical significance of this alteration remains unclear.

NM_000038.6(APC):c.5063A>T (p.Asp1688Val)

Gene: APC (APC regulator of Wnt signaling pathway; plus strand). Cytogenetic location: 5q22.2.
Variant type: single nucleotide variant.
Coding change: c.5063A>T on transcript NM_000038.6 (MANE Select); coding-DNA position 5063, A replaced by T.
Protein change: p.Asp1688Val; replaces aspartic acid 1688 with valine.
Molecular consequence: missense variant.
Genome position (GRCh38, 1-based): chr5:112,840,657, A>T. VCF-style: chr5-112840657-A-T. GRCh37 (hg19) VCF-style: chr5-112176354-A-T.
Other names: c.5063A>T (NM_000038.5); c.5063A>T, p.Asp1688Val (NM_001127510.3, NM_001354895.2); c.5009A>T, p.Asp1670Val (NM_001127511.3); c.5117A>T, p.Asp1706Val (NM_001354896.2); c.5093A>T, p.Asp1698Val (NM_001354897.2); c.4988A>T, p.Asp1663Val (NM_001354898.2); c.4979A>T, p.Asp1660Val (NM_001354899.2); c.4940A>T, p.Asp1647Val (NM_001354900.2); and 6 more; short protein forms D1405V, D1528V, D1562V, D1587V, D1597V, D1629V, D1647V, D1660V.
Identifiers: ClinVar variation 1054183 (VCV001054183.11), dbSNP rs1452639208, ClinGen allele CA16032406.